The following is an entry in ClinVar:

NM_000037.4(ANK1):c.3115+2T>A

Gene: ANK1 (ankyrin 1; minus strand). Cytogenetic location: 8p11.21.
Variant type: single nucleotide variant.
Coding change: c.3115+2T>A on transcript NM_000037.4 (MANE Select); the canonical splice donor site of the intron after coding-DNA position 3115, T replaced by A.
Molecular consequence: splice donor variant.
Genome position (GRCh38, 1-based): chr8:41,695,175, A>T on the plus strand (T>A on the coding strand, the complement: ANK1 is on the minus strand). VCF-style: chr8-41695175-A-T. GRCh37 (hg19) VCF-style: chr8-41552693-A-T.
Other names: c.3238+2T>A (NM_001142446.2); c.3115+2T>A (NM_020477.3, NM_020475.3, NM_020476.3).
Identifiers: ClinVar variation 4725664 (VCV004725664.1).

ClinVar aggregate classification (germline): Pathogenic (1 of 4 stars; one submission).

Submission:

Labcorp Genetics (formerly Invitae), Labcorp
Classification: Pathogenic. Last evaluated: 2025-08-18. Review status: criteria provided, single submitter. Criteria: Invitae Variant Classification Sherloc (09022015). Collection method: clinical testing. Allele origin: germline.
Comment: This sequence change affects a donor splice site in intron 27 of the ANK1 gene. It is expected to disrupt RNA splicing. Variants that disrupt the donor or acceptor splice site typically lead to a loss of protein function (PMID: 16199547), and loss-of-function variants in ANK1 are known to be pathogenic (PMID: 8640229). This variant is not present in population databases (gnomAD no frequency). Disruption of this splice site has been observed in individual(s) with hereditary spherocytosis (PMID: 27292444). Algorithms developed to predict the effect of sequence changes on RNA splicing suggest that this variant may disrupt the consensus splice site. For these reasons, this variant has been classified as Pathogenic.

Literature cited by the submitters: PubMed 16199547; PubMed 8640229; PubMed 27292444.